The following is an entry in ClinVar:

ClinVar aggregate classification (germline): Pathogenic. Review status: criteria provided, multiple submitters, no conflicts (2 of 4 stars). 2 submissions from 2 submitters: Pathogenic (2). Last evaluated 2023-08-16.

Conditions:
Lynch syndrome 5 (LYNCH5). Also called: Hereditary non-polyposis colorectal cancer, type 5; Colorectal cancer, hereditary nonpolyposis, type 5. Identifiers: Orphanet 144, MedGen C1833477, MONDO:0013710, OMIM 614350. Disease mechanism: loss of function.
Hereditary cancer-predisposing syndrome. Also called: Hereditary Cancer Syndrome; Neoplastic Syndromes, Hereditary; Hereditary neoplastic syndrome; Tumor predisposition. Identifiers: Orphanet 140162, MedGen C0027672, MeSH D009386, MONDO:0015356.

Submissions (2):

Myriad Genetics, Inc.
Classification: Pathogenic for Lynch syndrome 5. Last evaluated: 2023-08-16. Review status: criteria provided, single submitter. Criteria: Myriad Autosomal Dominant, Autosomal Recessive and X-Linked Classification Criteria (2023). Collection method: clinical testing. Allele origin: unknown.
Comment: This variant is considered pathogenic. This variant creates a frameshift predicted to result in premature protein truncation.

Ambry Genetics
Classification: Pathogenic for Hereditary cancer-predisposing syndrome. Last evaluated: 2019-01-15. Review status: criteria provided, single submitter. Criteria: Ambry Variant Classification Scheme 2023. Collection method: clinical testing. Allele origin: germline.
Comment: The c.2296dupC pathogenic mutation, located in coding exon 4 of the MSH6 gene, results from a duplication of C at nucleotide position 2296, causing a translational frameshift with a predicted alternate stop codon (p.H766Pfs*6). This alteration is expected to result in loss of function by premature protein truncation or nonsense-mediated mRNA decay. As such, this alteration is interpreted as a disease-causing mutation.

NM_000179.3(MSH6):c.2296dup (p.His766fs)

Gene: MSH6 (mutS homolog 6; plus strand). Cytogenetic location: 2p16.3.
Variant type: Duplication.
Coding change: c.2296dup on transcript NM_000179.3 (MANE Select); coding-DNA position 2296, one base duplicated (C; older notation c.2296dupC).
Protein change: p.His766fs; shifts the reading frame from histidine 766.
Molecular consequence: frameshift variant.
Genome position (GRCh38, 1-based): chr2:47,800,279, C duplicated; the last of 2 consecutive C bases (chr2:47,800,278-47,800,279); duplicating either gives the same sequence. VCF-style (leftmost placement, unchanged base first): chr2-47800277-G-GC. GRCh37 (hg19) VCF-style: chr2-48027416-G-GC.
Other names: c.1906dup, p.His636fs (NM_001281492.2); c.1390dup, p.His464fs (NM_001281493.2, NM_001281494.2); c.2296dupC (NM_000179.2); short protein forms H464fs, H766fs, H636fs.
Identifiers: ClinVar variation 428319 (VCV000428319.6), dbSNP rs1114167712, ClinGen allele CA645369263.